The following is an entry in ClinVar:

NM_016333.4(SRRM2):c.6734C>T (p.Ala2245Val)

Gene: SRRM2 (serine/arginine repetitive matrix 2; plus strand). Cytogenetic location: 16p13.3.
Variant type: single nucleotide variant.
Coding change: c.6734C>T on transcript NM_016333.4 (MANE Select); coding-DNA position 6734, C replaced by T.
Protein change: p.Ala2245Val; replaces alanine 2245 with valine.
Molecular consequence: missense variant.
Genome position (GRCh38, 1-based): chr16:2,767,262, C>T. VCF-style: chr16-2767262-C-T. GRCh37 (hg19) VCF-style: chr16-2817263-C-T.
Other names: c.6734C>T (NM_016333.3); short protein forms A2245V.
Identifiers: ClinVar variation 3902183 (VCV003902183.2).

ClinVar aggregate classification (germline): Uncertain significance. Review status: criteria provided, multiple submitters, no conflicts (2 of 4 stars). 2 submissions from 2 submitters: Uncertain significance (2). Last evaluated 2025-10-17.

Conditions:
Inborn genetic diseases. Identifiers: MedGen C0950123, MeSH D030342.

Submissions (2):

Ambry Genetics
Classification: Uncertain significance for Inborn genetic diseases. Last evaluated: 2025-10-17. Review status: criteria provided, single submitter. Criteria: Ambry Variant Classification Scheme 2023. Collection method: clinical testing. Allele origin: germline.

Women's Health and Genetics/Laboratory Corporation of America, LabCorp
Classification: Uncertain significance. Last evaluated: 2025-05-15. Review status: criteria provided, single submitter. Criteria: LabCorp Variant Classification Summary - May 2015. Collection method: clinical testing. Allele origin: germline.
Comment: Variant summary: SRRM2 c.6734C>T (p.Ala2245Val) results in a non-conservative amino acid change in the encoded protein sequence. Algorithms developed to predict the effect of missense changes on protein structure and function all suggest that this variant is likely to be disruptive. The variant was absent in 250582 control chromosomes. The available data on variant occurrences in the general population are insufficient to allow any conclusion about variant significance. To our knowledge, no occurrence of c.6734C>T in individuals affected with Intellectual Developmental Disorder, Autosomal Dominant 72 and no experimental evidence demonstrating its impact on protein function have been reported. No submitters have cited clinical-significance assessments for this variant to ClinVar. Based on the evidence outlined above, the variant was classified as uncertain significance.